The following is an entry in ClinVar:

ClinVar aggregate classification (germline): Benign (1 of 4 stars; one submission).

Conditions:
Tuberous sclerosis 1 (TSC1). Identifiers: Orphanet 805, MedGen C1854465, MONDO:0008612, OMIM 191100.

Submission:

Myriad Genetics, Inc.
Classification: Benign for Tuberous sclerosis 1. Last evaluated: 2025-04-29. Review status: criteria provided, single submitter. Criteria: Myriad Autosomal Dominant, Autosomal Recessive and X-Linked Classification Criteria (2023). Collection method: clinical testing. Allele origin: unknown.
Comment: This variant is considered benign. This variant is a silent/synonymous amino acid change and it is not expected to impact splicing.

NM_000368.5(TSC1):c.3111C>T (p.Gly1037=)

Gene: TSC1 (TSC complex subunit 1; minus strand). Cytogenetic location: 9q34.13.
Variant type: single nucleotide variant.
Coding change: c.3111C>T on transcript NM_000368.5 (MANE Select); coding-DNA position 3111, C replaced by T.
Protein change: p.Gly1037=; no amino-acid change (glycine 1037 retained).
Molecular consequence: synonymous variant. On other transcripts: non-coding transcript variant (5).
Genome position (GRCh38, 1-based): chr9:132,896,619, G>A on the plus strand (C>T on the coding strand, the complement: TSC1 is on the minus strand). VCF-style: chr9-132896619-G-A. GRCh37 (hg19) VCF-style: chr9-135772006-G-A.
Other names: c.3111C>T, p.Gly1037= (NM_001406595.1, NM_001406596.1, NM_001406592.1 and 2 more transcripts); c.3108C>T, p.Gly1036= (NM_001406597.1, NM_001406598.1, NM_001406599.1 and 2 more transcripts); c.3096C>T, p.Gly1032= (NM_001406601.1, NM_001406602.1); c.3093C>T, p.Gly1031= (NM_001406603.1, NM_001406604.1); c.3069C>T, p.Gly1023= (NM_001406605.1, NM_001406606.1, NM_001406607.1); c.3066C>T, p.Gly1022= (NM_001406608.1, NM_001406609.1); c.2958C>T, p.Gly986= (NM_001406610.1, NM_001162427.2); c.2955C>T, p.Gly985= (NM_001406611.1, NM_001406612.1); and 8 more.
Identifiers: ClinVar variation 4071129 (VCV004071129.1).